The following is an entry in ClinVar:

NM_018249.6(CDK5RAP2):c.2837G>A (p.Arg946Gln)

Gene: CDK5RAP2 (CDK5 regulatory subunit associated protein 2; minus strand). Cytogenetic location: 9q33.2.
Variant type: single nucleotide variant.
Coding change: c.2837G>A on transcript NM_018249.6 (MANE Select); coding-DNA position 2837, G replaced by A.
Protein change: p.Arg946Gln; replaces arginine 946 with glutamine.
Molecular consequence: missense variant. On other transcripts: non-coding transcript variant (5).
Genome position (GRCh38, 1-based): chr9:120,448,083, C>T on the plus strand (G>A on the coding strand, the complement: CDK5RAP2 is on the minus strand). VCF-style: chr9-120448083-C-T. GRCh37 (hg19) VCF-style: chr9-123210361-C-T.
Other names: c.2837G>A, p.Arg946Gln (NM_001011649.3); c.2147G>A, p.Arg716Gln (NM_001272039.2); c.2834G>A, p.Arg945Gln (NM_001410994.1); c.2738G>A, p.Arg913Gln (NM_001410992.1); c.2741G>A, p.Arg914Gln (NM_001410993.1); short protein forms R945Q, R913Q, R914Q, R946Q, R716Q.
Identifiers: ClinVar variation 2060294 (VCV002060294.3), dbSNP rs772110733, ClinGen allele CA5213973.

ClinVar aggregate classification (germline): Conflicting classifications of pathogenicity. Review status: criteria provided, conflicting classifications (1 of 4 stars). 2 submissions from 2 submitters: Uncertain significance (1); Likely benign (1). Last evaluated 2024-07-26.

Conditions:
Inborn genetic diseases. Identifiers: MedGen C0950123, MeSH D030342.

Allele frequency attached by ClinVar (database versions not stated): ExAC 0.00002; gnomAD 0.00005; TOPMed 0.00008.
gnomAD v4.1: 49 of 1,613,996 alleles (0.003%); highest among the groups gnomAD compares: Admixed American, 0.053%; no homozygotes.

Submissions (2):

Labcorp Genetics (formerly Invitae), Labcorp
Classification: Uncertain significance. Last evaluated: 2024-07-26. Review status: criteria provided, single submitter. Criteria: Invitae Variant Classification Sherloc (09022015). Collection method: clinical testing. Allele origin: germline.
Comment: This sequence change replaces arginine, which is basic and polar, with glutamine, which is neutral and polar, at codon 946 of the CDK5RAP2 protein (p.Arg946Gln). This variant is present in population databases (rs772110733, gnomAD 0.06%). This variant has not been reported in the literature in individuals affected with CDK5RAP2-related conditions. ClinVar contains an entry for this variant (Variation ID: 2060294). An algorithm developed to predict the effect of missense changes on protein structure and function outputs the following: PolyPhen-2: "Benign". The glutamine amino acid residue is found in multiple mammalian species, which suggests that this missense change does not adversely affect protein function. In summary, the available evidence is currently insufficient to determine the role of this variant in disease. Therefore, it has been classified as a Variant of Uncertain Significance.

Ambry Genetics
Classification: Likely benign for Inborn genetic diseases. Last evaluated: 2022-09-06. Review status: criteria provided, single submitter. Criteria: Ambry Variant Classification Scheme 2023. Collection method: clinical testing. Allele origin: germline.